The following is an entry in ClinVar:

ClinVar aggregate classification (germline): Pathogenic (1 of 4 stars; one submission).

Submission:

Labcorp Genetics (formerly Invitae), Labcorp
Classification: Pathogenic. Last evaluated: 2024-10-17. Review status: criteria provided, single submitter. Criteria: Invitae Variant Classification Sherloc (09022015). Collection method: clinical testing. Allele origin: germline.
Comment: This sequence change creates a premature translational stop signal (p.Glu283*) in the PHEX gene. It is expected to result in an absent or disrupted protein product. Loss-of-function variants in PHEX are known to be pathogenic (PMID: 9097956, 9106524, 19219621). This variant is not present in population databases (gnomAD no frequency). This variant has not been reported in the literature in individuals affected with PHEX-related conditions. For these reasons, this variant has been classified as Pathogenic.

Literature cited by the submitters: PubMed 9097956; PubMed 9106524; PubMed 19219621.

NM_000444.6(PHEX):c.847G>T (p.Glu283Ter)

Gene: PHEX (phosphate regulating endopeptidase X-linked; plus strand). Cytogenetic location: Xp22.11.
Variant type: single nucleotide variant.
Coding change: c.847G>T on transcript NM_000444.6 (MANE Select); coding-DNA position 847, G replaced by T.
Protein change: p.Glu283Ter; replaces glutamic acid 283 with a stop codon.
Molecular consequence: nonsense.
Genome position (GRCh38, 1-based): chrX:22,094,097, G>T. VCF-style: chrX-22094097-G-T. GRCh37 (hg19) VCF-style: chrX-22112215-G-T.
Other names: c.847G>T, p.Glu283Ter (NM_001282754.2); short protein forms E283*.
Identifiers: ClinVar variation 3723151 (VCV003723151.2).